The following is an entry in ClinVar:

ClinVar aggregate classification (germline): Pathogenic (1 of 4 stars; one submission).

Conditions:
Charcot-Marie-Tooth disease type 2. Also called: Charcot-Marie-Tooth type 2. Identifiers: Orphanet 64746, MedGen C0270914, MONDO:0018993.

Allele frequency attached by ClinVar (database versions not stated): gnomAD 0.00001; gnomAD exomes below 0.00001.

Submission:

Labcorp Genetics (formerly Invitae), Labcorp
Classification: Pathogenic for Charcot-Marie-Tooth disease type 2. Last evaluated: 2023-06-30. Review status: criteria provided, single submitter. Criteria: Invitae Variant Classification Sherloc (09022015). Collection method: clinical testing. Allele origin: germline.
Comment: For these reasons, this variant has been classified as Pathogenic. ClinVar contains an entry for this variant (Variation ID: 1455961). This variant is also known as c.557-558insT. This premature translational stop signal has been observed in individual(s) with Charcot-Marie-Tooth disease (PMID: 33415332). This variant is not present in population databases (gnomAD no frequency). This sequence change creates a premature translational stop signal (p.Lys187*) in the MFN2 gene. It is expected to result in an absent or disrupted protein product. Loss-of-function variants in MFN2 are known to be pathogenic (PMID: 16714318, 16835246, 21715711, 23781337, 26955893).

Literature cited by the submitters: PubMed 33415332; PubMed 16714318; PubMed 16835246; PubMed 21715711; PubMed 23781337; PubMed 26955893.

NM_014874.4(MFN2):c.558dup (p.Lys187Ter)

Gene: MFN2 (mitofusin 2; plus strand). Cytogenetic location: 1p36.22.
Variant type: Duplication.
Coding change: c.558dup on transcript NM_014874.4 (MANE Select); coding-DNA position 558, one base duplicated (T; older notation c.558dupT).
Protein change: p.Lys187Ter; replaces lysine 187 with a stop codon.
Molecular consequence: nonsense.
Genome position (GRCh38, 1-based): chr1:11,997,380, T duplicated. VCF-style (leftmost placement, unchanged base first): chr1-11997379-C-CT. GRCh37 (hg19) VCF-style: chr1-12057436-C-CT.
Other names: c.558dup, p.Lys187Ter (NM_001127660.2); short protein forms K187*.
Identifiers: ClinVar variation 1455961 (VCV001455961.6), dbSNP rs772732232, ClinGen allele CA18008601.